The following is an entry in ClinVar:

ClinVar aggregate classification (germline): Uncertain significance (1 of 4 stars; one submission).

Conditions:
RASopathy. Also called: Noonan spectrum disorder; rasopathies. Identifiers: Orphanet 536391, MedGen C5555857, MONDO:0021060.

gnomAD v4.1: 2 of 1,610,256 alleles (0.00012%); highest among the groups gnomAD compares: Non-Finnish European, 0.00017%; no homozygotes.

Submission:

Labcorp Genetics (formerly Invitae), Labcorp
Classification: Uncertain significance for RASopathy. Last evaluated: 2024-03-29. Review status: criteria provided, single submitter. Criteria: Invitae Variant Classification Sherloc (09022015). Collection method: clinical testing. Allele origin: germline.
Comment: This sequence change replaces threonine, which is neutral and polar, with isoleucine, which is neutral and non-polar, at codon 377 of the CBL protein (p.Thr377Ile). This variant is not present in population databases (gnomAD no frequency). This variant has not been reported in the literature in individuals affected with CBL-related conditions. Advanced modeling of protein sequence and biophysical properties (such as structural, functional, and spatial information, amino acid conservation, physicochemical variation, residue mobility, and thermodynamic stability) performed at Invitae indicates that this missense variant is expected to disrupt CBL protein function with a positive predictive value of 95%. In summary, the available evidence is currently insufficient to determine the role of this variant in disease. Therefore, it has been classified as a Variant of Uncertain Significance.

NM_005188.4(CBL):c.1130C>T (p.Thr377Ile)

Gene: CBL (Cbl proto-oncogene; plus strand). Cytogenetic location: 11q23.3.
Variant type: single nucleotide variant.
Coding change: c.1130C>T on transcript NM_005188.4 (MANE Select); coding-DNA position 1130, C replaced by T.
Protein change: p.Thr377Ile; replaces threonine 377 with isoleucine.
Molecular consequence: missense variant.
Genome position (GRCh38, 1-based): chr11:119,278,200, C>T. VCF-style: chr11-119278200-C-T. GRCh37 (hg19) VCF-style: chr11-119148910-C-T.
Other names: short protein forms T377I.
Identifiers: ClinVar variation 3666185 (VCV003666185.2).
Genomic context (GRCh38, chr11:119,278,200, plus strand): 5'-AGTCTTTTAATTTTTTTTAATCAAAGGAACAATATGAATTATACTGTGAGATGGGCTCCA[C>T]ATTCCAACTATGTAAAATATGTGCTGAAAATGATAAGGATGTAAAGATTGAGCCCTGTGG-3'
Protein context (NP_005179.2, residues 367-387): QYELYCEMGS[Thr377Ile]FQLCKICAEN